The following is an entry in ClinVar:

ClinVar aggregate classification (germline): Uncertain significance (1 of 4 stars; one submission).

Conditions:
Brugada syndrome 8 (BRGDA8). Identifiers: Orphanet 130, MedGen C2751083, MONDO:0013148, OMIM 613123.

gnomAD v4.1: 3 of 1,610,924 alleles (0.00019%); highest among the groups gnomAD compares: Non-Finnish European, 0.00025%; no homozygotes.

Submission:

Labcorp Genetics (formerly Invitae), Labcorp
Classification: Uncertain significance for Brugada syndrome 8. Last evaluated: 2024-12-30. Review status: criteria provided, single submitter. Criteria: Invitae Variant Classification Sherloc (09022015). Collection method: clinical testing. Allele origin: germline.
Comment: This sequence change replaces leucine, which is neutral and non-polar, with valine, which is neutral and non-polar, at codon 1152 of the HCN4 protein (p.Leu1152Val). This variant is present in population databases (no rsID available, gnomAD 0.007%). This variant has not been reported in the literature in individuals affected with HCN4-related conditions. Invitae Evidence Modeling of protein sequence and biophysical properties (such as structural, functional, and spatial information, amino acid conservation, physicochemical variation, residue mobility, and thermodynamic stability) has been performed for this missense variant. However, the output from this modeling did not meet the statistical confidence thresholds required to predict the impact of this variant on HCN4 protein function. In summary, the available evidence is currently insufficient to determine the role of this variant in disease. Therefore, it has been classified as a Variant of Uncertain Significance.

NM_005477.3(HCN4):c.3454C>G (p.Leu1152Val)

Gene: HCN4 (hyperpolarization activated cyclic nucleotide gated potassium channel 4; minus strand). Cytogenetic location: 15q24.1.
Variant type: single nucleotide variant.
Coding change: c.3454C>G on transcript NM_005477.3 (MANE Select); coding-DNA position 3454, C replaced by G.
Protein change: p.Leu1152Val; replaces leucine 1152 with valine.
Molecular consequence: missense variant.
Genome position (GRCh38, 1-based): chr15:73,322,639, G>C on the plus strand (C>G on the coding strand, the complement: HCN4 is on the minus strand). VCF-style: chr15-73322639-G-C. GRCh37 (hg19) VCF-style: chr15-73614980-G-C.
Other names: short protein forms L1152V.
Identifiers: ClinVar variation 3694444 (VCV003694444.2).
Genomic context (GRCh38, chr15:73,322,639, plus strand): 5'-CTCTTGCCCCAAACAAAGACAGAGGGGGTGGCAAAGAACCTGAGGATGTCTTCCGAGGCA[G>C]AGTGACGTGCTGGCCGGGGATGGCACCATAGGGCCTCCCAGGGGGACCGAGGCCCCCGCT-3'
Protein context (NP_005468.1, residues 1142-1162): YGAIPGQHVT[Leu1152Val]PRKTSSGSLP